The following is an entry in ClinVar:

NM_004100.5(EYA4):c.1192-3C>T

Genes: EYA4 (EYA transcriptional coactivator and phosphatase 4; plus strand), TARID (TCF21 antisense RNA inducing promoter demethylation; minus strand), LOC126859796 (MED14-independent group 3 enhancer GRCh37_chr6:133826289-133827488; plus strand). Cytogenetic location: 6q23.2.
Variant type: single nucleotide variant.
Coding change: c.1192-3C>T on transcript NM_004100.5 (MANE Select); 3 bases into the intron before coding-DNA position 1192, C replaced by T.
Molecular consequence: intron variant. On other transcripts: non-coding transcript variant (1).
Genome position (GRCh38, 1-based): chr6:133,506,103, C>T. VCF-style: chr6-133506103-C-T. GRCh37 (hg19) VCF-style: chr6-133827241-C-T.
Other names: c.1210-3C>T (NM_001301013.2); c.1192-3C>T (NM_172105.4); c.1123-3C>T (NM_001370458.1, NM_172103.4); c.1048-3C>T (NM_001370459.1); c.1030-3C>T (NM_001301012.2).
Identifiers: ClinVar variation 950090 (VCV000950090.10), dbSNP rs997200665, ClinGen allele CA148070190.

ClinVar aggregate classification (germline): Uncertain significance (1 of 4 stars; one submission).

Conditions:
Dilated cardiomyopathy 1J (CMD1J). Also called: CARDIOMYOPATHY, DILATED, WITH SENSORINEURAL HEARING LOSS, AUTOSOMAL DOMINANT. Identifiers: Orphanet 217622, MedGen C1854368, MONDO:0011541, OMIM 605362.

Allele frequency attached by ClinVar (database versions not stated): gnomAD exomes below 0.00001 and 0.00002; TOPMed below 0.00001.
gnomAD v4.1: 4 of 1,583,866 alleles (0.00025%); highest among the groups gnomAD compares: Admixed American, 0.0067%; no homozygotes.

Submission:

Labcorp Genetics (formerly Invitae), Labcorp
Classification: Uncertain significance for Dilated cardiomyopathy 1J. Last evaluated: 2022-10-03. Review status: criteria provided, single submitter. Criteria: Invitae Variant Classification Sherloc (09022015). Collection method: clinical testing. Allele origin: germline.
Comment: In summary, the available evidence is currently insufficient to determine the role of this variant in disease. Therefore, it has been classified as a Variant of Uncertain Significance. Variants that disrupt the consensus splice site are a relatively common cause of aberrant splicing (PMID: 17576681, 9536098). Algorithms developed to predict the effect of sequence changes on RNA splicing suggest that this variant is not likely to affect RNA splicing. ClinVar contains an entry for this variant (Variation ID: 950090). This variant has not been reported in the literature in individuals affected with EYA4-related conditions. This variant is present in population databases (no rsID available, gnomAD 0.01%). This sequence change falls in intron 13 of the EYA4 gene. It does not directly change the encoded amino acid sequence of the EYA4 protein. It affects a nucleotide within the consensus splice site.

Literature cited by the submitters: PubMed 17576681; PubMed 9536098.